The following is an entry in ClinVar:

ClinVar aggregate classification (germline): Uncertain significance. Review status: criteria provided, multiple submitters, no conflicts (2 of 4 stars). 2 submissions from 2 submitters: Uncertain significance (2). Last evaluated 2025-01-10.

Conditions:
HNF4A-related disorder. Also called: HNF4A-related condition.

Submissions (2):

PreventionGenetics, part of Exact Sciences
Classification: Uncertain significance for HNF4A-related condition. Last evaluated: 2025-01-10. Review status: criteria provided, single submitter. Criteria: ACMG Guidelines, 2015. Collection method: clinical testing. Allele origin: germline.
Comment: The HNF4A c.934T>G variant is predicted to result in the amino acid substitution p.Phe312Val. To our knowledge, this variant has not been reported in the literature or in a large population database (gnomAD), indicating this variant is rare. At this time, the clinical significance of this variant is uncertain due to the absence of conclusive functional and genetic evidence.

Labcorp Genetics (formerly Invitae), Labcorp
Classification: Uncertain significance. Last evaluated: 2022-09-23. Review status: criteria provided, single submitter. Criteria: Invitae Variant Classification Sherloc (09022015). Collection method: clinical testing. Allele origin: germline.
Comment: This sequence change replaces phenylalanine, which is neutral and non-polar, with valine, which is neutral and non-polar, at codon 312 of the HNF4A protein (p.Phe312Val). This variant is not present in population databases (gnomAD no frequency). This variant has not been reported in the literature in individuals affected with HNF4A-related conditions. Algorithms developed to predict the effect of missense changes on protein structure and function (SIFT, PolyPhen-2, Align-GVGD) all suggest that this variant is likely to be disruptive. In summary, the available evidence is currently insufficient to determine the role of this variant in disease. Therefore, it has been classified as a Variant of Uncertain Significance.

NM_175914.5(HNF4A):c.934T>G (p.Phe312Val)

Gene: HNF4A (hepatocyte nuclear factor 4 alpha; plus strand). Cytogenetic location: 20q13.12.
Variant type: single nucleotide variant.
Coding change: c.934T>G on transcript NM_175914.5 (MANE Select); coding-DNA position 934, T replaced by G.
Protein change: p.Phe312Val; replaces phenylalanine 312 with valine.
Molecular consequence: missense variant.
Genome position (GRCh38, 1-based): chr20:44,424,125, T>G. VCF-style: chr20-44424125-T-G. GRCh37 (hg19) VCF-style: chr20-43052765-T-G.
Other names: c.1000T>G, p.Phe334Val (NM_000457.6, NM_178849.3, NM_178850.3); c.934T>G, p.Phe312Val (NM_001030003.3, NM_001030004.3); c.979T>G, p.Phe327Val (NM_001258355.2); c.925T>G, p.Phe309Val (NM_001287182.2, NM_001287183.2, NM_001287184.2); short protein forms F309V, F312V, F327V, F334V.
Identifiers: ClinVar variation 1720141 (VCV001720141.6), dbSNP rs2515714207, ClinGen allele CA409108277.